The following is an entry in ClinVar:

NM_017763.6(RNF43):c.1471C>T (p.His491Tyr)

Gene: RNF43 (ring finger protein 43; minus strand). Cytogenetic location: 17q22.
Variant type: single nucleotide variant.
Coding change: c.1471C>T on transcript NM_017763.6 (MANE Select); coding-DNA position 1471, C replaced by T.
Protein change: p.His491Tyr; replaces histidine 491 with tyrosine.
Molecular consequence: missense variant.
Genome position (GRCh38, 1-based): chr17:58,358,305, G>A on the plus strand (C>T on the coding strand, the complement: RNF43 is on the minus strand). VCF-style: chr17-58358305-G-A. GRCh37 (hg19) VCF-style: chr17-56435666-G-A.
Other names: c.1471C>T, p.His491Tyr (NM_001305544.3); c.1090C>T, p.His364Tyr (NM_001305545.2); short protein forms H364Y, H491Y.
Identifiers: ClinVar variation 3946911 (VCV003946911.1).

ClinVar aggregate classification (germline): Uncertain significance (1 of 4 stars; one submission).

Submission:

Ambry Genetics
Classification: Uncertain significance. Last evaluated: 2025-05-23. Review status: criteria provided, single submitter. Criteria: Ambry Variant Classification Scheme 2023. Collection method: clinical testing. Allele origin: germline.
Comment: The p.H491Y variant (also known as c.1471C>T), located in coding exon 8 of the RNF43 gene, results from a C to T substitution at nucleotide position 1471. The histidine at codon 491 is replaced by tyrosine, an amino acid with similar properties. This amino acid position is conserved. In addition, this alteration is predicted to be tolerated by in silico analysis. Based on the available evidence, the clinical significance of this variant remains unclear.